The following is an entry in ClinVar:

ClinVar aggregate classification (germline): Uncertain significance. Review status: criteria provided, multiple submitters, no conflicts (2 of 4 stars). 5 submissions from 4 submitters: Uncertain significance (5). Last evaluated 2025-12-23.

Conditions:
SDCCAG8-related disorder. Also called: SDCCAG8-Related Disorders; SDCCAG8-related condition.
Senior-Loken syndrome 7 (SLSN7). Identifiers: Orphanet 3156, MedGen C3150877, MONDO:0013326, OMIM 613615.
Bardet-Biedl syndrome 16 (BBS16). Identifiers: Orphanet 110, MedGen C3889474, MONDO:0014444, OMIM 615993.

Allele frequency attached by ClinVar (database versions not stated): gnomAD below 0.00001 and 0.00001; TOPMed 0.00001; gnomAD exomes 0.00011; ExAC 0.00013.
gnomAD v4.1: 52 of 1,614,012 alleles (0.0032%); highest among the groups gnomAD compares: South Asian, 0.046%; no homozygotes.

Submissions (5):

PreventionGenetics, part of Exact Sciences
Classification: Uncertain significance for SDCCAG8-related condition. Last evaluated: 2025-12-23. Review status: criteria provided, single submitter. Criteria: ACMG Guidelines, 2015. Collection method: clinical testing. Allele origin: germline.
Comment: The SDCCAG8 c.916G>A variant is predicted to result in the amino acid substitution p.Glu306Lys. To our knowledge, this variant has not been reported in the literature. This variant is reported in 0.062% of alleles in individuals of South Asian descent in gnomAD, which may be too common to be a primary cause of disease. Although we suspect that this variant may be benign, at this time, the clinical significance of this variant is uncertain due to the absence of conclusive functional and genetic evidence.

Labcorp Genetics (formerly Invitae), Labcorp
Classification: Uncertain significance for Bardet-Biedl syndrome 16; Senior-Loken syndrome 7. Last evaluated: 2024-10-22. Review status: criteria provided, single submitter. Criteria: Invitae Variant Classification Sherloc (09022015). Collection method: clinical testing. Allele origin: germline.
Comment: This sequence change replaces glutamic acid, which is acidic and polar, with lysine, which is basic and polar, at codon 306 of the SDCCAG8 protein (p.Glu306Lys). This variant is present in population databases (rs777002036, gnomAD 0.06%). This variant has not been reported in the literature in individuals affected with SDCCAG8-related conditions. ClinVar contains an entry for this variant (Variation ID: 474960). Invitae Evidence Modeling of protein sequence and biophysical properties (such as structural, functional, and spatial information, amino acid conservation, physicochemical variation, residue mobility, and thermodynamic stability) indicates that this missense variant is not expected to disrupt SDCCAG8 protein function with a negative predictive value of 80%. In summary, the available evidence is currently insufficient to determine the role of this variant in disease. Therefore, it has been classified as a Variant of Uncertain Significance.

Fulgent Genetics
Classification: Uncertain significance for Senior-Loken syndrome 7; Bardet-Biedl syndrome 16. Last evaluated: 2024-04-15. Review status: criteria provided, single submitter. Criteria: ACMG Guidelines, 2015. Collection method: clinical testing. Allele origin: germline.

Illumina Laboratory Services, Illumina
Classification: Uncertain significance for Bardet-Biedl syndrome 16. Last evaluated: 2018-01-13. Review status: criteria provided, single submitter. Criteria: ICSL Variant Classification Criteria 13 December 2019. Collection method: clinical testing. Allele origin: germline.

Illumina Laboratory Services, Illumina
Classification: Uncertain significance for Senior-Loken syndrome 7. Last evaluated: 2018-01-13. Review status: criteria provided, single submitter. Criteria: ICSL Variant Classification Criteria 13 December 2019. Collection method: clinical testing. Allele origin: germline.

NM_006642.5(SDCCAG8):c.916G>A (p.Glu306Lys)

Gene: SDCCAG8 (SHH signaling and ciliogenesis regulator SDCCAG8; plus strand). Cytogenetic location: 1q43.
Variant type: single nucleotide variant.
Coding change: c.916G>A on transcript NM_006642.5 (MANE Select); coding-DNA position 916, G replaced by A.
Protein change: p.Glu306Lys; replaces glutamic acid 306 with lysine.
Molecular consequence: missense variant.
Genome position (GRCh38, 1-based): chr1:243,308,164, G>A. VCF-style: chr1-243308164-G-A. GRCh37 (hg19) VCF-style: chr1-243471466-G-A.
Other names: c.13G>A, p.Glu5Lys (NM_001350246.2, NM_001350247.2, NM_001350251.2); c.1012G>A, p.Glu338Lys (NM_001350248.2); c.622G>A, p.Glu208Lys (NM_001350249.2); short protein forms E306K, E208K, E338K, E5K.
Identifiers: ClinVar variation 474960 (VCV000474960.13), dbSNP rs777002036, ClinGen allele CA1483469.
Genomic context (GRCh38, chr1:243,308,164, plus strand): 5'-TGTGCTCAGCATGAAGCTGTTCTTTCCCAAACCCATACTAATGTTCATATGCAGACCATC[G>A]AAAGACTGGTTAAGTAAGTATGCTTCTACGCGCACGGAGACTTTGGCAATATGGAAAATT-3'
Protein context (NP_006633.1, residues 296-316): THTNVHMQTI[Glu306Lys]RLVKERDDLM